The following is an entry in ClinVar:

NM_177438.3(DICER1):c.4429dup (p.Ser1477fs)

Gene: DICER1 (dicer 1, ribonuclease III; minus strand). Cytogenetic location: 14q32.13.
Variant type: Duplication.
Coding change: c.4429dup on transcript NM_177438.3 (MANE Select); coding-DNA position 4429, one base duplicated (T; older notation c.4429dupT).
Protein change: p.Ser1477fs; shifts the reading frame from serine 1477.
Molecular consequence: frameshift variant. On other transcripts: non-coding transcript variant (6).
Genome position (GRCh38, 1-based): chr14:95,096,491, A duplicated on the plus strand (T on the coding strand, the reverse complement: DICER1 is on the minus strand); the first of 2 consecutive A bases (chr14:95,096,491-95,096,492); duplicating either gives the same sequence. VCF-style (leftmost placement, unchanged base first): chr14-95096490-G-GA. GRCh37 (hg19) VCF-style: chr14-95562827-G-GA.
Other names: c.4429dup, p.Ser1477fs (NM_001195573.1, NM_001271282.3, NM_001291628.2 and 12 more transcripts); c.4428dup, p.Ser1477Phefs (NM_001395681.1); c.4147dup, p.Ser1383fs (NM_001395686.1); c.4024dup, p.Ser1342fs (NM_001395687.1, NM_001395688.1, NM_001395689.1 and 2 more transcripts); c.3862dup, p.Ser1288fs (NM_001395691.1); c.2746dup, p.Ser916fs (NM_001395697.1); short protein forms S1383fs, S1342fs, S916fs, S1288fs, S1477fs.
Identifiers: ClinVar variation 2866786 (VCV002866786.3), dbSNP rs2139850703, ClinGen allele CA2739279863.
Genomic context (GRCh38, chr14:95,096,490, plus strand): 5'-TCTGATGAAAATGGCATACTACCTAAGGAGGATTTTTTGGGCATTTTCCATTCATATGCA[G>GA]AATCAGTGGTTGAAAAAGGAGAAAGAGAGATTTTCTTTACAAAAGCTCCTGACCCCATTA-3'

ClinVar aggregate classification (germline): Pathogenic (1 of 4 stars; one submission).

Conditions:
DICER1-related tumor predisposition. Also called: DICER1-related pleuropulmonary blastoma cancer predisposition syndrome; DICER1 syndrome. Identifiers: Orphanet 284343, MedGen C3839822, MONDO:0100216.

Submission:

Labcorp Genetics (formerly Invitae), Labcorp
Classification: Pathogenic for DICER1-related tumor predisposition. Last evaluated: 2023-05-22. Review status: criteria provided, single submitter. Criteria: Invitae Variant Classification Sherloc (09022015). Collection method: clinical testing. Allele origin: germline.
Comment: For these reasons, this variant has been classified as Pathogenic. This variant has not been reported in the literature in individuals affected with DICER1-related conditions. This variant is not present in population databases (gnomAD no frequency). This sequence change creates a premature translational stop signal (p.Ser1477Phefs*4) in the DICER1 gene. It is expected to result in an absent or disrupted protein product. Loss-of-function variants in DICER1 are known to be pathogenic (PMID: 19556464, 21266384).

Literature cited by the submitters: PubMed 19556464; PubMed 21266384.